The following is an entry in ClinVar:

ClinVar aggregate classification (germline): Uncertain significance. Review status: criteria provided, multiple submitters, no conflicts (2 of 4 stars). 2 submissions from 2 submitters: Uncertain significance (2). Last evaluated 2026-03-26.

Conditions:
BDNF-related disorder. Also called: BDNF-related condition.

Submissions (2):

PreventionGenetics, part of Exact Sciences
Classification: Uncertain significance for BDNF-related condition. Last evaluated: 2026-03-26. Review status: criteria provided, single submitter. Criteria: ACMG Guidelines, 2015. Collection method: clinical testing. Allele origin: germline.
Comment: The BDNF c.276_291del16 variant is predicted to result in premature protein termination (p.Ser93*). To our knowledge, this variant has not been reported in the literature or in a large population database (gnomAD), indicating this variant is rare. Intragenic deletions and other early termination changes are not a documented cause of BDNF-related obesity. At this time, the clinical significance of this variant is uncertain due to the absence of conclusive functional and genetic evidence.

Labcorp Genetics (formerly Invitae), Labcorp
Classification: Uncertain significance. Last evaluated: 2025-04-10. Review status: criteria provided, single submitter. Criteria: Invitae Variant Classification Sherloc (09022015). Collection method: clinical testing. Allele origin: germline.
Comment: This sequence change creates a premature translational stop signal (p.Ser11*) in the BDNF gene. While this is not anticipated to result in nonsense mediated decay, it is expected to disrupt the last 237 amino acid(s) of the BDNF protein. This variant is not present in population databases (gnomAD no frequency). This variant has not been reported in the literature in individuals affected with BDNF-related conditions. Experimental studies and prediction algorithms are not available or were not evaluated, and the functional significance of this variant is currently unknown. In summary, the available evidence is currently insufficient to determine the role of this variant in disease. Therefore, it has been classified as a Variant of Uncertain Significance.

NM_001709.5(BDNF):c.30_45del (p.Ile10_Ser11insTer)

Genes: BDNF (brain derived neurotrophic factor; minus strand), BDNF-AS (BDNF antisense RNA; plus strand). Cytogenetic location: 11p14.1.
Variant type: Deletion.
Coding change: c.30_45del on transcript NM_001709.5 (MANE Select); coding-DNA positions 30 to 45, 16 bases deleted (TTCATACTTTGGTTGC).
Protein change: p.Ile10_Ser11insTer.
Molecular consequence: frameshift variant.
Genome position (GRCh38, 1-based): chr11:27,658,520-27,658,535, GCAACCAAAGTATGAA deleted on the plus strand (TTCATACTTTGGTTGC on the coding strand, the reverse complement: BDNF is on the minus strand). VCF-style (leftmost placement, unchanged base first): chr11-27658519-TGCAACCAAAGTATGAA-T. GRCh37 (hg19) VCF-style: chr11-27680066-TGCAACCAAAGTATGAA-T.
Other names: c.30_45del, p.Ile10_Ser11insTer (NM_001143806.1, NM_001143807.2, NM_001143808.2 and 9 more transcripts); c.117_132del, p.Ile39_Ser40insTer (NM_001143809.2); c.276_291del, p.Ile92_Ser93insTer (NM_001143810.2); c.54_69del, p.Ile18_Ser19insTer (NM_170731.5); c.75_90del, p.Ile25_Ser26insTer (NM_170734.4); c.276_291del16 (NM_001143810.1).
Identifiers: ClinVar variation 4717106 (VCV004717106.2).